The following is an entry in ClinVar:

ClinVar aggregate classification (germline): Uncertain significance (1 of 4 stars; one submission).

Conditions:
Familial cancer of breast. Also called: BREAST CANCER, FAMILIAL; hereditary breast carcinoma; Hereditary breast cancer. Identifiers: Orphanet 227535, MedGen C0346153, MONDO:0016419, OMIM 114480. Disease mechanism: loss of function.

Submission:

Labcorp Genetics (formerly Invitae), Labcorp
Classification: Uncertain significance for Familial cancer of breast. Last evaluated: 2025-10-27. Review status: criteria provided, single submitter. Criteria: Invitae Variant Classification Sherloc (09022015). Collection method: clinical testing. Allele origin: germline.
Comment: This sequence change replaces tyrosine, which is neutral and polar, with serine, which is neutral and polar, at codon 212 of the CHEK2 protein (p.Tyr212Ser). This variant is not present in population databases (gnomAD no frequency). This variant has not been reported in the literature in individuals affected with CHEK2-related conditions. ClinVar contains an entry for this variant (Variation ID: 2812585). An algorithm developed to predict the effect of missense changes on protein structure and function (PolyPhen-2) suggests that this variant is likely to be tolerated. In summary, the available evidence is currently insufficient to determine the role of this variant in disease. Therefore, it has been classified as a Variant of Uncertain Significance.

NM_007194.4(CHEK2):c.635A>C (p.Tyr212Ser)

Gene: CHEK2 (checkpoint kinase 2; minus strand). Cytogenetic location: 22q12.1.
Variant type: single nucleotide variant.
Coding change: c.635A>C on transcript NM_007194.4 (MANE Select); coding-DNA position 635, A replaced by C.
Protein change: p.Tyr212Ser; replaces tyrosine 212 with serine.
Molecular consequence: missense variant. On other transcripts: 5 prime UTR variant (2), intron variant (1).
Genome position (GRCh38, 1-based): chr22:28,719,443, T>G on the plus strand (A>C on the coding strand, the complement: CHEK2 is on the minus strand). VCF-style: chr22-28719443-T-G. GRCh37 (hg19) VCF-style: chr22-29115431-T-G.
Other names: c.764A>C, p.Tyr255Ser (NM_001005735.3, NM_001438294.1); c.-29A>C (NM_001257387.3, NM_001437942.1); c.728A>C, p.Tyr243Ser (NM_001438293.1, NM_001438295.1); c.635A>C, p.Tyr212Ser (NM_145862.3); c.482+5443A>C (NM_001349956.3); short protein forms Y255S, Y212S, Y243S.
Identifiers: ClinVar variation 2812585 (VCV002812585.3), dbSNP rs2053693253, ClinGen allele CA411105033.